The following is an entry in ClinVar:

NM_000155.4(GALT):c.347T>C (p.Leu116Pro)

Gene: GALT (galactose-1-phosphate uridylyltransferase; plus strand). Cytogenetic location: 9p13.3.
Variant type: single nucleotide variant.
Coding change: c.347T>C on transcript NM_000155.4 (MANE Select); coding-DNA position 347, T replaced by C.
Protein change: p.Leu116Pro; replaces leucine 116 with proline.
Molecular consequence: missense variant. On other transcripts: intron variant (1).
Genome position (GRCh38, 1-based): chr9:34,647,675, T>C. VCF-style: chr9-34647675-T-C. GRCh37 (hg19) VCF-style: chr9-34647672-T-C.
Other names: c.51-157T>C (NM_001258332.2); short protein forms L116P.
Identifiers: ClinVar variation 4817627 (VCV004817627.2).
Genomic context (GRCh38, chr9:34,647,675, plus strand): 5'-TGAGGGACTTCTGCTGCAGAGAGTGATACTCCTTTACCTCAGGACCCAGTGATCATCCCC[T>C]TTTCCAAGCAAAGTCTGCTCGAGGAGTCTGGTAACTATGGATTTCCCCTCTTACAACTTT-3'
Protein context (NP_000146.2, residues 106-126): APSPGPSDHP[Leu116Pro]FQAKSARGVC

ClinVar aggregate classification (germline): Conflicting classifications of pathogenicity. Review status: criteria provided, conflicting classifications (1 of 4 stars). 2 submissions from 2 submitters: Likely pathogenic (1); Uncertain significance (1). Last evaluated 2026-01-26.

Conditions:
Galactosemia. Also called: Galactose intolerance. Identifiers: Orphanet 352, MedGen C0016952, MONDO:0018116, HP:0004919. Disease mechanism: loss of function.
Deficiency of UDPglucose-hexose-1-phosphate uridylyltransferase. Also called: Transferase Deficiency Galactosemia; GALT deficiency; Galactosemia, classic; GALACTOSE-1-PHOSPHATE URIDYLYLTRANSFERASE DEFICIENCY; GALACTOSEMIA I. Identifiers: Orphanet 352, Orphanet 79239, MedGen C0268151, MONDO:0009258, OMIM 230400.

Submissions (2):

Natera, Inc.
Classification: Likely pathogenic for Galactosemia. Last evaluated: 2026-01-26. Review status: criteria provided, single submitter. Criteria: Natera Variant Classification Schema (03/2026). Collection method: clinical testing. Allele origin: germline.
Comment: The c.347T>C variant in GALT is a missense variant predicted to cause substitution of leucine to proline at amino acid 116. This variant is rare in the general population with a frequency below the threshold expected for the associated phenotype(s). This variant has been observed in one or more individuals affected with the associated recessive disease, as either homozygous or compound heterozygous with a second variant (PMID: 38469090, 24045215). Functional studies show that this variant may disrupt protein function (PMID: 31392114). Computational prediction algorithms indicate this variant is likely to affect gene or protein function. Given the available evidence, this variant is classified as Likely Pathogenic.

Myriad Genetics, Inc.
Classification: Uncertain significance for Deficiency of UDPglucose-hexose-1-phosphate uridylyltransferase. Last evaluated: 2026-01-07. Review status: criteria provided, single submitter. Criteria: Myriad Autosomal Dominant, Autosomal Recessive and X-Linked Classification Criteria (2023). Collection method: clinical testing. Allele origin: unknown.
Comment: NM_000155.3(GALT):c.347T>C(L116P) is a missense variant classified as a variant of uncertain significance in the context of galactosemia. L116P has been observed in cases with relevant disease (PMID: 24045215, 38469090). Relevant functional assessments of this variant are available in the literature (PMID: 31392114). L116P has not been observed in referenced population frequency databases. In summary, there is insufficient evidence to classify NM_000155.3(GALT):c.347T>C(L116P) as pathogenic or benign. Please note: this variant was assessed in the context of healthy population screening.

Literature cited by the submitters: PubMed 38469090 (cited by Natera, Inc. and Myriad Genetics, Inc.); PubMed 24045215 (cited by Natera, Inc. and Myriad Genetics, Inc.); PubMed 31392114 (cited by Natera, Inc. and Myriad Genetics, Inc.).